The following is an entry in ClinVar:

NM_015693.4(INTU):c.1354G>A (p.Ala452Thr)

Genes: INTU (inturned planar cell polarity protein; plus strand), LOC126807151 (CDK7 strongly-dependent group 2 enhancer GRCh37_chr4:128607842-128609041; plus strand). Cytogenetic location: 4q28.1.
Variant type: single nucleotide variant.
Coding change: c.1354G>A on transcript NM_015693.4 (MANE Select); coding-DNA position 1354, G replaced by A.
Protein change: p.Ala452Thr; replaces alanine 452 with threonine.
Molecular consequence: missense variant.
Genome position (GRCh38, 1-based): chr4:127,687,772, G>A. VCF-style: chr4-127687772-G-A. GRCh37 (hg19) VCF-style: chr4-128608927-G-A.
Other names: short protein forms A452T.
Identifiers: ClinVar variation 504485 (VCV000504485.22), dbSNP rs150681845, ClinGen allele CA3075041.
Genomic context (GRCh38, chr4:127,687,772, plus strand): 5'-GATCATTTTTTTAACTTGTTCTTTCAAAGAGCACTTCAGCCTGCGAAACTGCATTCCAGC[G>A]CCAGTCCCAGTGCTCAGCAGTACGATGCTTCCAGTGCAGTACTTTTAGACAACCTCCCTG-3'
Protein context (NP_056508.2, residues 442-462): ALQPAKLHSS[Ala452Thr]SPSAQQYDAS

ClinVar aggregate classification (germline): Conflicting classifications of pathogenicity. Review status: criteria provided, conflicting classifications (1 of 4 stars). 7 submissions from 7 submitters: Uncertain significance (1); Benign (1); Likely benign (2). 3 of the submissions do not count toward it. Last evaluated 2026-01-29.

Conditions:
INTU-related disorder. Also called: INTU-related condition.
Nephronophthisis. Also called: Juvenile Nephronophthisis. Identifiers: Orphanet 655, MedGen C0687120, MONDO:0019005, HP:0000090.
Growth delay. Also called: Growth retardation. Identifiers: MedGen C0456070, HP:0001510.

Allele frequency attached by ClinVar (database versions not stated): TOPMed 0.00147; ESP Exome Variant Server 0.00161; gnomAD 0.00170 and 0.00191; 1000 Genomes Project 0.00220; gnomAD exomes 0.00263; 1000 Genomes Project 30x 0.00265; ExAC 0.00299.
gnomAD v4.1: 3,864 of 1,613,458 alleles (0.24%); highest among the groups gnomAD compares: South Asian, 0.95%; 19 homozygotes.

Submissions (7):

Labcorp Genetics (formerly Invitae), Labcorp
Classification: Benign. Last evaluated: 2026-01-29. Review status: criteria provided, single submitter. Criteria: Invitae Variant Classification Sherloc (09022015). Collection method: clinical testing. Allele origin: germline.

CeGaT Center for Human Genetics Tuebingen
Classification: Likely benign. Last evaluated: 2025-03-01. Review status: criteria provided, single submitter. Criteria: CeGaT Center For Human Genetics Tuebingen Variant Classification Criteria Version 2. Collection method: clinical testing. Allele origin: germline. Affected: yes. Observed: 1 variant allele.
Comment: INTU: BP4, BS2

Blueprint Genetics
Classification: Likely benign. Last evaluated: 2024-11-21. Review status: criteria provided, single submitter. Criteria: ACMG Guidelines, 2015. Collection method: clinical testing. Allele origin: germline.

Mendelics
Classification: Uncertain significance. Last evaluated: 2022-05-04. Review status: criteria provided, single submitter. Criteria: Mendelics Assertion Criteria 2019. Collection method: clinical testing. Allele origin: germline.

PreventionGenetics, part of Exact Sciences
Classification: Benign for INTU-related condition. Last evaluated: 2022-04-01. Review status: no assertion criteria provided. Collection method: clinical testing. Allele origin: germline. Not counted in ClinVar's aggregate classification.
Comment: This variant is classified as benign based on ACMG/AMP sequence variant interpretation guidelines (Richards et al. 2015 PMID: 25741868, with internal and published modifications).

OMIM
Classification: Uncertain significance for VARIANT OF UNKNOWN SIGNIFICANCE. Last evaluated: 2018-04-02. Review status: no assertion criteria provided. Collection method: literature only. Allele origin: germline. Not counted in ClinVar's aggregate classification.

University of Washington Center for Mendelian Genomics, University of Washington
Classification: Likely pathogenic for Nephronophthisis; Growth retardation. Last evaluated: 2016-05-09. Review status: no assertion criteria provided. Collection method: research. Allele origin: unknown. Affected: yes. Observed: 1 homozygote. Not counted in ClinVar's aggregate classification.

Literature cited by the submitters: PubMed 27158779 (cited by OMIM and University of Washington Center for Mendelian Genomics, University of Washington).